The following is an entry in ClinVar:

NM_007254.4(PNKP):c.310C>G (p.Leu104Val)

Gene: PNKP (polynucleotide kinase 3'-phosphatase; minus strand). Cytogenetic location: 19q13.33.
Variant type: single nucleotide variant.
Coding change: c.310C>G on transcript NM_007254.4 (MANE Select); coding-DNA position 310, C replaced by G.
Protein change: p.Leu104Val; replaces leucine 104 with valine.
Molecular consequence: missense variant.
Genome position (GRCh38, 1-based): chr19:49,865,315, G>C on the plus strand (C>G on the coding strand, the complement: PNKP is on the minus strand). VCF-style: chr19-49865315-G-C. GRCh37 (hg19) VCF-style: chr19-50368572-G-C.
Other names: short protein forms L104V.
Identifiers: ClinVar variation 2229575 (VCV002229575.2), dbSNP rs2514641233, ClinGen allele CA406890502.

ClinVar aggregate classification (germline): Uncertain significance (1 of 4 stars; one submission).

Conditions:
Inborn genetic diseases. Identifiers: MedGen C0950123, MeSH D030342.

Submission:

Ambry Genetics
Classification: Uncertain significance for Inborn genetic diseases. Last evaluated: 2021-02-12. Review status: criteria provided, single submitter. Criteria: Ambry Variant Classification Scheme 2023. Collection method: clinical testing. Allele origin: germline.
Comment: The c.310C>G (p.L104V) alteration is located in exon 4 (coding exon 3) of the PNKP gene. This alteration results from a C to G substitution at nucleotide position 310, causing the leucine (L) at amino acid position 104 to be replaced by a valine (V). The p.L104V alteration is predicted to be tolerated by in silico analysis. Based on insufficient or conflicting evidence, the clinical significance of this alteration remains unclear.